The following is an entry in ClinVar:

NM_004937.3(CTNS):c.-635G>C

Gene: CTNS (cystinosin, lysosomal cystine transporter; plus strand). Cytogenetic location: 17p13.2.
Variant type: single nucleotide variant.
Coding change: c.-635G>C on transcript NM_004937.3 (MANE Select); 635 bases upstream of the start codon, G replaced by C.
Genome position (GRCh38, 1-based): chr17:3,636,426, G>C. VCF-style: chr17-3636426-G-C. GRCh37 (hg19) VCF-style: chr17-3539720-G-C.
Other names: -295G-C, PROMOTER.
Identifiers: ClinVar variation 1165294 (VCV001165294.16), dbSNP rs112140949, ClinGen allele CA286999021.

ClinVar aggregate classification (germline): Benign. Review status: criteria provided, multiple submitters, no conflicts (2 of 4 stars). 6 submissions from 6 submitters: Benign (4). 2 of the submissions do not count toward it. Last evaluated 2025-01-15.

Conditions:
Inborn genetic diseases. Identifiers: MedGen C0950123, MeSH D030342.
Juvenile nephropathic cystinosis. Also called: CYSTINOSIS, LATE-ONSET JUVENILE OR ADOLESCENT NEPHROPATHIC TYPE; Intermediate Cystinosis; Later-Onset (Juvenile) Cystinosis. Identifiers: Orphanet 213, Orphanet 411634, MedGen C0268626, MONDO:0009066, OMIM 219900.
Ocular cystinosis. Also called: Non-Nephropathic Cystinosis; Non-Nephropathic (Ocular) Cystinosis. Identifiers: Orphanet 213, Orphanet 411641, MedGen C2931013, MONDO:0009064, OMIM 219750.
Nephropathic cystinosis (CTNS). Also called: Abderhalden Lignac Kaufmann disease; Abderhalden-Kaufmann-Lignac syndrome; CYSTINOSIN, DEFECT OF; LYSOSOMAL CYSTINE TRANSPORT PROTEIN, DEFECT OF. Identifiers: Orphanet 213, Orphanet 411629, MedGen C2931187, MONDO:0100151, OMIM 219800.
Cystinosis. Also called: Cystine diathesis; Cystine storage disease; Cystinoses. Identifiers: Orphanet 213, MedGen C4316899, MONDO:0016239.

Allele frequency attached by ClinVar (database versions not stated): gnomAD exomes 0.00728; gnomAD 0.01378 and 0.01482; TOPMed 0.01524; 1000 Genomes Project 30x 0.03295; 1000 Genomes Project 0.03514.

Submissions (6):

Labcorp Genetics (formerly Invitae), Labcorp
Classification: Benign for Inborn genetic diseases; Ocular cystinosis; Juvenile nephropathic cystinosis. Last evaluated: 2025-01-15. Review status: criteria provided, single submitter. Criteria: Invitae Variant Classification Sherloc (09022015). Collection method: clinical testing. Allele origin: germline.

Department of Pathology and Laboratory Medicine, Sinai Health System
Classification: Benign for cystinosis. Last evaluated: 2023-02-03. Review status: criteria provided, single submitter. Criteria: ACMG Guidelines, 2015. Collection method: research. Allele origin: germline.

GeneDx
Classification: Benign. Last evaluated: 2021-06-21. Review status: criteria provided, single submitter. Criteria: GeneDx Variant Classification Process June 2021. Collection method: clinical testing. Allele origin: germline. Affected: yes.
Comment: This variant is associated with the following publications: (PMID: 11505338)

Breakthrough Genomics
Classification: Benign. Review status: criteria provided, single submitter. Criteria: ACMG Guidelines, 2015. Collection method: not provided. Allele origin: germline. Inheritance: Autosomal recessive inheritance. Affected: yes.

Natera, Inc.
Classification: Benign for Cystinosis. Last evaluated: 2019-10-17. Review status: no assertion criteria provided. Collection method: clinical testing. Allele origin: germline. Not counted in ClinVar's aggregate classification.

OMIM
Classification: Pathogenic for CYSTINOSIS, NEPHROPATHIC. Last evaluated: 2001-10-01. Review status: no assertion criteria provided. Collection method: literature only. Allele origin: germline. Not counted in ClinVar's aggregate classification.

Literature cited by the submitters: PubMed 11505338 (cited by OMIM).